The following is an entry in ClinVar:

NM_002230.4(JUP):c.708-3dup

Gene: JUP (junction plakoglobin; minus strand). Cytogenetic location: 17q21.2.
Variant type: Duplication.
Coding change: c.708-3dup on transcript NM_002230.4 (MANE Select); 3 bases into the intron before coding-DNA position 708, one base duplicated (C; older notation c.708-3dupC).
Molecular consequence: intron variant.
Genome position (GRCh38, 1-based): chr17:41,767,583, G duplicated on the plus strand (C on the coding strand, the reverse complement: JUP is on the minus strand); the first of 7 consecutive G bases (chr17:41,767,583-41,767,589); duplicating any one gives the same sequence. VCF-style (leftmost placement, unchanged base first): chr17-41767582-T-TG. GRCh37 (hg19) VCF-style: chr17-39923834-T-TG.
Other names: c.708-3dupC (NM_002230.2); c.708-3dup (NM_001352774.2, NM_021991.4, NM_001352776.2 and 3 more transcripts).
Identifiers: ClinVar variation 833799 (VCV000833799.12), dbSNP rs782230165, ClinGen allele CA8565390.

ClinVar aggregate classification (germline): Benign/Likely benign. Review status: criteria provided, multiple submitters, no conflicts (2 of 4 stars). 3 submissions from 3 submitters: Benign (1); Likely benign (2). Last evaluated 2025-12-02.

Conditions:
Cardiovascular phenotype. Identifiers: MedGen CN230736.
Naxos disease (NXD). Also called: KERATOSIS PALMOPLANTARIS WITH ARRHYTHMOGENIC CARDIOMYOPATHY; MAL DE NAXOS; PALMOPLANTAR KERATODERMA WITH ARRHYTHMOGENIC RIGHT VENTRICULAR CARDIOMYOPATHY AND WOOLLY HAIR; WOOLLY HAIR, PALMOPLANTAR KERATODERMA, AND CARDIAC ABNORMALITIES; CARDIOMYOPATHY, ARRHYTHMOGENIC RIGHT VENTRICULAR, WITH SKIN, HAIR, AND NAIL ABNORMALITIES. Identifiers: Orphanet 34217, MedGen C1832600, MONDO:0011017, OMIM 601214.
Arrhythmogenic right ventricular dysplasia 12. Also called: ARRHYTHMOGENIC RIGHT VENTRICULAR DYSPLASIA, FAMILIAL, 12. Identifiers: MedGen C1969081, MONDO:0012684, OMIM 611528.

Submissions (3):

Labcorp Genetics (formerly Invitae), Labcorp
Classification: Likely benign for Arrhythmogenic right ventricular dysplasia 12; Naxos disease. Last evaluated: 2025-12-02. Review status: criteria provided, single submitter. Criteria: Invitae Variant Classification Sherloc (09022015). Collection method: clinical testing. Allele origin: germline.

Ambry Genetics
Classification: Likely benign for Cardiovascular phenotype. Last evaluated: 2022-10-18. Review status: criteria provided, single submitter. Criteria: Ambry Variant Classification Scheme 2023. Collection method: clinical testing. Allele origin: germline.

Women's Health and Genetics/Laboratory Corporation of America, LabCorp
Classification: Benign. Last evaluated: 2022-08-06. Review status: criteria provided, single submitter. Criteria: LabCorp Variant Classification Summary - May 2015. Collection method: clinical testing. Allele origin: germline.
Comment: Variant summary: JUP c.708-3dupC alters a conserved nucleotide located close to a canonical splice site and therefore could affect mRNA splicing, leading to a significantly altered protein sequence. 4/4 computational tools predict no significant impact on normal splicing. However, these predictions have yet to be confirmed by functional studies. The variant allele was found at a frequency of 5.5e-05 in 237434 control chromosomes (gnomAD). The observed variant frequency is approximately 9 fold of the estimated maximal expected allele frequency for a pathogenic variant in JUP causing Arrhythmogenic Right Ventricular Dysplasia/Cardiomyopathy phenotype (6.3e-06), strongly suggesting that the variant is benign. To our knowledge, no occurrence of c.708-3dupC in individuals affected with Arrhythmogenic Right Ventricular Dysplasia/Cardiomyopathy and no experimental evidence demonstrating its impact on protein function have been reported. One clinical diagnostic laboratory has submitted clinical-significance assessments for this variant to ClinVar after 2014 and classified the variant as likely benign. Based on the evidence outlined above, the variant was classified as benign.